The following is an entry in ClinVar:

ClinVar aggregate classification (germline): Uncertain significance (1 of 4 stars; one submission).

Conditions:
Hereditary cancer-predisposing syndrome. Also called: Tumor predisposition; Neoplastic Syndromes, Hereditary; Hereditary neoplastic syndrome; Hereditary Cancer Syndrome. Identifiers: Orphanet 140162, MedGen C0027672, MeSH D009386, MONDO:0015356.

Submission:

Ambry Genetics
Classification: Uncertain significance for Hereditary cancer-predisposing syndrome. Last evaluated: 2024-08-06. Review status: criteria provided, single submitter. Criteria: Ambry Variant Classification Scheme 2023. Collection method: clinical testing. Allele origin: germline.
Comment: The p.G184D variant (also known as c.551G>A), located in coding exon 3 of the TMEM127 gene, results from a G to A substitution at nucleotide position 551. The glycine at codon 184 is replaced by aspartic acid, an amino acid with similar properties. This amino acid position is conserved. In addition, this alteration is predicted to be deleterious by in silico analysis. Based on the available evidence, the clinical significance of this variant remains unclear.

NM_017849.4(TMEM127):c.551G>A (p.Gly184Asp)

Gene: TMEM127 (transmembrane protein 127; minus strand). Cytogenetic location: 2q11.2.
Variant type: single nucleotide variant.
Coding change: c.551G>A on transcript NM_017849.4 (MANE Select); coding-DNA position 551, G replaced by A.
Protein change: p.Gly184Asp; replaces glycine 184 with aspartic acid.
Molecular consequence: missense variant.
Genome position (GRCh38, 1-based): chr2:96,253,974, C>T on the plus strand (G>A on the coding strand, the complement: TMEM127 is on the minus strand). VCF-style: chr2-96253974-C-T. GRCh37 (hg19) VCF-style: chr2-96919712-C-T.
Other names: c.551G>A, p.Gly184Asp (NM_001193304.3); c.299G>A, p.Gly100Asp (NM_001407282.1, NM_001407283.1); short protein forms G100D, G184D.
Identifiers: ClinVar variation 3457591 (VCV003457591.1).